The following is an entry in ClinVar:

ClinVar aggregate classification (germline): Uncertain significance (1 of 4 stars; one submission).

Conditions:
Autosomal dominant hypocalcemia 1 (HYPOC1). Also called: HYPOCALCEMIA, FAMILIAL. Identifiers: MedGen C3715128, MONDO:0011013, OMIM 601198.
Familial hypocalciuric hypercalcemia (FHH). Also called: Familial benign hypercalcemia. Identifiers: Orphanet 405, MedGen C1809471, MONDO:0018458.

gnomAD v4.1: 1 of 1,613,368 alleles (0.000062%); highest among the groups gnomAD compares: Admixed American, 0.0017%; no homozygotes.

Submission:

Labcorp Genetics (formerly Invitae), Labcorp
Classification: Uncertain significance for Familial hypocalciuric hypercalcemia; Autosomal dominant hypocalcemia 1. Last evaluated: 2022-08-22. Review status: criteria provided, single submitter. Criteria: Invitae Variant Classification Sherloc (09022015). Collection method: clinical testing. Allele origin: germline.
Comment: This sequence change replaces phenylalanine, which is neutral and non-polar, with isoleucine, which is neutral and non-polar, at codon 854 of the CASR protein (p.Phe854Ile). In summary, the available evidence is currently insufficient to determine the role of this variant in disease. Therefore, it has been classified as a Variant of Uncertain Significance. Algorithms developed to predict the effect of missense changes on protein structure and function are either unavailable or do not agree on the potential impact of this missense change (SIFT: "Deleterious"; PolyPhen-2: "Probably Damaging"; Align-GVGD: "Class C0"). ClinVar contains an entry for this variant (Variation ID: 963235). This variant has not been reported in the literature in individuals affected with CASR-related conditions. This variant is not present in population databases (gnomAD no frequency).

NM_000388.4(CASR):c.2560T>A (p.Phe854Ile)

Gene: CASR (calcium sensing receptor; plus strand). Cytogenetic location: 3q21.1.
Variant type: single nucleotide variant.
Coding change: c.2560T>A on transcript NM_000388.4 (MANE Select); coding-DNA position 2560, T replaced by A.
Protein change: p.Phe854Ile; replaces phenylalanine 854 with isoleucine.
Molecular consequence: missense variant.
Genome position (GRCh38, 1-based): chr3:122,284,514, T>A. VCF-style: chr3-122284514-T-A. GRCh37 (hg19) VCF-style: chr3-122003361-T-A.
Other names: c.2590T>A, p.Phe864Ile (NM_001178065.2); short protein forms F854I, F864I.
Identifiers: ClinVar variation 963235 (VCV000963235.10), dbSNP rs565491972, ClinGen allele CA354160288.